The following is an entry in ClinVar:

ClinVar aggregate classification (germline): Likely pathogenic (1 of 4 stars; one submission).

Conditions:
Retinoblastoma (RB1). Also called: RETINOBLASTOMA, SOMATIC. Identifiers: Orphanet 790, MedGen C0035335, MeSH D012175, MONDO:0008380, OMIM 180200, HP:0009919. Disease mechanism: loss of function. Inheritance: Both sporadic and heritable forms are tested..

Submission:

Labcorp Genetics (formerly Invitae), Labcorp
Classification: Likely pathogenic for Retinoblastoma. Last evaluated: 2024-04-01. Review status: criteria provided, single submitter. Criteria: Invitae Variant Classification Sherloc (09022015). Collection method: clinical testing. Allele origin: germline.
Comment: This sequence change falls in intron 14 of the RB1 gene. It does not directly change the encoded amino acid sequence of the RB1 protein. RNA analysis indicates that this variant induces altered splicing and likely results in a shortened protein product. This variant is not present in population databases (gnomAD no frequency). This variant has been observed in individual(s) with retinoblastoma (Invitae). Variants that disrupt the consensus splice site are a relatively common cause of aberrant splicing (PMID: 17576681, 9536098). Studies have shown that this variant results in skipping of exon 14, but is expected to preserve the integrity of the reading-frame (Invitae). In summary, the currently available evidence indicates that the variant is pathogenic, but additional data are needed to prove that conclusively. Therefore, this variant has been classified as Likely Pathogenic.

Literature cited by the submitters: PubMed 17576681; PubMed 9536098.

NM_000321.3(RB1):c.1389+4A>T

Gene: RB1 (RB transcriptional corepressor 1; plus strand). Cytogenetic location: 13q14.2.
Variant type: single nucleotide variant.
Coding change: c.1389+4A>T on transcript NM_000321.3 (MANE Select); 4 bases into the intron after coding-DNA position 1389, A replaced by T.
Molecular consequence: intron variant.
Genome position (GRCh38, 1-based): chr13:48,379,654, A>T. VCF-style: chr13-48379654-A-T. GRCh37 (hg19) VCF-style: chr13-48953790-A-T.
Other names: c.1389+4A>T (NM_001407165.1, NM_001407166.1).
Identifiers: ClinVar variation 2843229 (VCV002843229.3), dbSNP rs1131690879, ClinGen allele CA2739277606.
Genomic context (GRCh38, chr13:48,379,654, plus strand): 5'-CGATACAAACTTGGAGTTCGCTTGTATTACCGAGTAATGGAATCCATGCTTAAATCAGTA[A>T]GTTAAAAACAATATAAAAAAATTTCAGCCGGGCGCGGTGGCTCACGCCTGCAATCCCAGC-3'